The following is an entry in ClinVar:

ClinVar aggregate classification (germline): Uncertain significance. Review status: criteria provided, multiple submitters, no conflicts (2 of 4 stars). 2 submissions from 2 submitters: Uncertain significance (2). Last evaluated 2026-01-15.

Conditions:
Hereditary cancer-predisposing syndrome. Also called: Tumor predisposition; Hereditary Cancer Syndrome; Hereditary neoplastic syndrome; Neoplastic Syndromes, Hereditary. Identifiers: Orphanet 140162, MedGen C0027672, MeSH D009386, MONDO:0015356.

gnomAD v4.1: 1 of 1,613,192 alleles (0.000062%); highest among the groups gnomAD compares: Non-Finnish European, 0.000085%; no homozygotes.

Submissions (2):

Ambry Genetics
Classification: Uncertain significance for Hereditary cancer-predisposing syndrome. Last evaluated: 2026-01-15. Review status: criteria provided, single submitter. Criteria: Ambry Variant Classification Scheme 2023. Collection method: clinical testing. Allele origin: germline.
Comment: The p.M447L variant (also known as c.1339A>T), located in coding exon 13 of the POLE gene, results from an A to T substitution at nucleotide position 1339. The methionine at codon 447 is replaced by leucine, an amino acid with highly similar properties. This amino acid position is highly conserved in available vertebrate species. In addition, this alteration is predicted to be tolerated by in silico analysis. Based on the available evidence, the clinical significance of this variant remains unclear.

Labcorp Genetics (formerly Invitae), Labcorp
Classification: Uncertain significance. Last evaluated: 2022-06-16. Review status: criteria provided, single submitter. Criteria: Invitae Variant Classification Sherloc (09022015). Collection method: clinical testing. Allele origin: germline.
Comment: This variant has not been reported in the literature in individuals affected with POLE-related conditions. This variant is not present in population databases (gnomAD no frequency). This sequence change replaces methionine, which is neutral and non-polar, with leucine, which is neutral and non-polar, at codon 447 of the POLE protein (p.Met447Leu). Algorithms developed to predict the effect of missense changes on protein structure and function (SIFT, PolyPhen-2, Align-GVGD) all suggest that this variant is likely to be tolerated. In summary, the available evidence is currently insufficient to determine the role of this variant in disease. Therefore, it has been classified as a Variant of Uncertain Significance.

NM_006231.4(POLE):c.1339A>T (p.Met447Leu)

Gene: POLE (DNA polymerase epsilon, catalytic subunit; minus strand). Cytogenetic location: 12q24.33.
Variant type: single nucleotide variant.
Coding change: c.1339A>T on transcript NM_006231.4 (MANE Select); coding-DNA position 1339, A replaced by T.
Protein change: p.Met447Leu; replaces methionine 447 with leucine.
Molecular consequence: missense variant.
Genome position (GRCh38, 1-based): chr12:132,673,595, T>A on the plus strand (A>T on the coding strand, the complement: POLE is on the minus strand). VCF-style: chr12-132673595-T-A. GRCh37 (hg19) VCF-style: chr12-133250181-T-A.
Other names: short protein forms M447L.
Identifiers: ClinVar variation 1770298 (VCV001770298.8), dbSNP rs376095661, ClinGen allele CA387359180.